The following is an entry in ClinVar:

NM_024757.5(EHMT1):c.1253C>G (p.Ser418Trp)

Gene: EHMT1 (euchromatic histone lysine methyltransferase 1; plus strand). Cytogenetic location: 9q34.3.
Variant type: single nucleotide variant.
Coding change: c.1253C>G on transcript NM_024757.5 (MANE Select); coding-DNA position 1253, C replaced by G.
Protein change: p.Ser418Trp; replaces serine 418 with tryptophan.
Molecular consequence: missense variant.
Genome position (GRCh38, 1-based): chr9:137,754,175, C>G. VCF-style: chr9-137754175-C-G. GRCh37 (hg19) VCF-style: chr9-140648627-C-G.
Other names: c.1253C>G, p.Ser418Trp (NM_001145527.2, NM_001354611.2); c.1160C>G, p.Ser387Trp (NM_001354259.2, NM_001354612.2); c.1232C>G, p.Ser411Trp (NM_001354263.2); c.1253C>G (NM_024757.4); short protein forms S411W, S418W, S387W.
Identifiers: ClinVar variation 3726060 (VCV003726060.3).

ClinVar aggregate classification (germline): Conflicting classifications of pathogenicity. Review status: criteria provided, conflicting classifications (1 of 4 stars). 2 submissions from 2 submitters: Uncertain significance (1); Likely benign (1). Last evaluated 2026-01-26.

Conditions:
Kleefstra syndrome 1 (KLEFS1). Identifiers: Orphanet 261494, MedGen C0795833, MONDO:0027407, OMIM 610253.

Submissions (2):

GeneDx
Classification: Uncertain significance. Last evaluated: 2026-01-26. Review status: criteria provided, single submitter. Criteria: GeneDx Variant Classification Process June 2021. Collection method: clinical testing. Allele origin: germline.
Comment: Not observed at significant frequency in large population cohorts (gnomAD); In silico analysis supports that this missense variant has a deleterious effect on protein structure/function; Has not been previously published as pathogenic or benign to our knowledge

Labcorp Genetics (formerly Invitae), Labcorp
Classification: Likely benign for Kleefstra syndrome 1. Last evaluated: 2026-01-12. Review status: criteria provided, single submitter. Criteria: Invitae Variant Classification Sherloc (09022015). Collection method: clinical testing. Allele origin: germline.